The following is an entry in ClinVar:

NM_007294.4(BRCA1):c.3496G>C (p.Ala1166Pro)

Genes: BRCA1 (BRCA1 DNA repair associated; minus strand), LOC126862571 (BRD4-independent group 4 enhancer GRCh37_chr17:41243136-41244335; plus strand). Cytogenetic location: 17q21.31.
Variant type: single nucleotide variant.
Coding change: c.3496G>C on transcript NM_007294.4 (MANE Select); coding-DNA position 3496, G replaced by C.
Protein change: p.Ala1166Pro; replaces alanine 1166 with proline.
Molecular consequence: missense variant. On other transcripts: intron variant (135).
Genome position (GRCh38, 1-based): chr17:43,092,035, C>G on the plus strand (G>C on the coding strand, the complement: BRCA1 is on the minus strand). VCF-style: chr17-43092035-C-G. GRCh37 (hg19) VCF-style: chr17-41244052-C-G.
Other names: c.662-1003G>C (NM_001408445.1, NM_001408432.1, NM_001408450.1 and 6 more transcripts); c.3163G>C, p.Ala1055Pro (NM_001407947.1, NM_001407948.1, NM_001407950.1 and 6 more transcripts); c.3415G>C, p.Ala1139Pro (NM_001407662.1, NM_001407660.1, NM_001407661.1 and 1 more transcripts); c.785-1003G>C (NM_001408399.1, NM_001408407.1, NM_001408402.1 and 13 more transcripts); c.668-1003G>C (NM_001408431.1, NM_001408424.1, NM_001408421.1); c.587-1003G>C (NM_001408476.1, NM_001408474.1); c.710-1003G>C (NM_001408409.1, NM_001408414.1, NM_001408411.1 and 2 more transcripts); c.575-1003G>C (NM_001408493.1, NM_001408490.1, NM_001408491.1); and 41 more; short protein forms A1166P, A1119P, A1054P, A1098P, A1118P, A1163P, A298P, A870P.
Identifiers: ClinVar variation 216663 (VCV000216663.18), dbSNP rs745418679, ClinGen allele CA057832.

ClinVar aggregate classification (germline): Conflicting classifications of pathogenicity. Review status: criteria provided, conflicting classifications (1 of 4 stars). 5 submissions from 5 submitters: Uncertain significance (4); Likely benign (1). Last evaluated 2024-07-30.

Conditions:
Hereditary cancer-predisposing syndrome. Also called: Hereditary Cancer Syndrome; Hereditary neoplastic syndrome; Neoplastic Syndromes, Hereditary; Tumor predisposition. Identifiers: Orphanet 140162, MedGen C0027672, MeSH D009386, MONDO:0015356.
Hereditary breast ovarian cancer syndrome. Also called: Hereditary breast and/or ovarian cancer syndrome; Breast and ovarian cancer; BRCA1- and BRCA2-Associated Hereditary Breast and Ovarian Cancer; Hereditary breast and ovarian cancer syndrome; Hereditary breast and ovarian cancer syndrome (HBOC); Hereditary breast and ovarian cancer. Identifiers: Orphanet 145, MedGen C0677776, MeSH D061325, MONDO:0003582. Disease mechanism: loss of function.

Allele frequency attached by ClinVar (database versions not stated): gnomAD exomes below 0.00001; ExAC 0.00001.
gnomAD v4.1: 1 of 1,614,062 alleles (0.000062%); highest among the groups gnomAD compares: Non-Finnish European, 0.000085%; no homozygotes.

Submissions (5):

Labcorp Genetics (formerly Invitae), Labcorp
Classification: Uncertain significance for Hereditary breast ovarian cancer syndrome. Last evaluated: 2024-07-30. Review status: criteria provided, single submitter. Criteria: Invitae Variant Classification Sherloc (09022015). Collection method: clinical testing. Allele origin: germline.
Comment: This sequence change replaces alanine, which is neutral and non-polar, with proline, which is neutral and non-polar, at codon 1166 of the BRCA1 protein (p.Ala1166Pro). This variant is present in population databases (rs745418679, gnomAD 0.0009%). This variant has not been reported in the literature in individuals affected with BRCA1-related conditions. ClinVar contains an entry for this variant (Variation ID: 216663). Advanced modeling of protein sequence and biophysical properties (such as structural, functional, and spatial information, amino acid conservation, physicochemical variation, residue mobility, and thermodynamic stability) performed at Invitae indicates that this missense variant is not expected to disrupt BRCA1 protein function with a negative predictive value of 95%. In summary, the available evidence is currently insufficient to determine the role of this variant in disease. Therefore, it has been classified as a Variant of Uncertain Significance.

Ambry Genetics
Classification: Uncertain significance for Hereditary cancer-predisposing syndrome. Last evaluated: 2023-08-29. Review status: criteria provided, single submitter. Criteria: Ambry Variant Classification Scheme 2023. Collection method: clinical testing. Allele origin: germline.
Comment: The p.A1166P variant (also known as c.3496G>C), located in coding exon 9 of the BRCA1 gene, results from a G to C substitution at nucleotide position 3496. The alanine at codon 1166 is replaced by proline, an amino acid with highly similar properties. This alteration was identified in a cohort of 524 Chinese breast cancer patients (Chen B et al. Aging (Albany NY), 2020 Feb;12:3140-3155). This amino acid position is not well conserved in available vertebrate species. In addition, the in silico prediction for this alteration is inconclusive. Since supporting evidence is limited at this time, the clinical significance of this alteration remains unclear.

University of Washington Department of Laboratory Medicine, University of Washington
Classification: Likely benign for Hereditary cancer-predisposing syndrome. Last evaluated: 2023-03-23. Review status: criteria provided, single submitter. Criteria: Dines et al. (Genet Med. 2020). Collection method: curation. Allele origin: germline.
Comment: Missense variant in a coldspot region where missense variants are very unlikely to be pathogenic (PMID:31911673).

BRCA1 coldspot (exon 11 using historical exon numbering). Reclassification based on statistical prior probability

GeneDx
Classification: Uncertain significance. Last evaluated: 2021-02-16. Review status: criteria provided, single submitter. Criteria: GeneDx Variant Classification Process June 2021. Collection method: clinical testing. Allele origin: germline. Affected: yes.
Comment: Not observed at a significant frequency in large population cohorts (Lek 2016); In silico analysis supports that this missense variant has a deleterious effect on protein structure/function; Has not been previously published as pathogenic or benign to our knowledge; Also known as 3615G>C

ARUP Laboratories, Molecular Genetics and Genomics, ARUP Laboratories
Classification: Uncertain significance. Last evaluated: 2020-01-22. Review status: criteria provided, single submitter. Criteria: ARUP Molecular Germline Variant Investigation Process. Collection method: clinical testing. Allele origin: germline.
Comment: The BRCA1 c.3496G>C; p.Ala1166Pro variant (rs745418679), to our knowledge, is not reported in the medical literature but is reported in ClinVar (Variation ID: 216663). This variant is found on a single chromosome in the Genome Aggregation Database (1/251294 alleles), indicating it is not a common polymorphism. The alanine at codon 1166 is moderately conserved, but computational analyses (SIFT: damaging, PolyPhen-2: benign) predict conflicting effects of this variant on protein structure/function. However, due to limited information, the clinical significance of the p.Ala1166Pro variant is uncertain at this time.

Literature cited by the submitters: PubMed 32091409 (cited by Ambry Genetics).